The following is an entry in ClinVar:

ClinVar aggregate classification (germline): Uncertain significance (1 of 4 stars; one submission).

Conditions:
FHOD3-related disorder. Also called: FHOD3-related condition.

gnomAD v4.1: 1 of 1,613,920 alleles (0.000062%); highest among the groups gnomAD compares: African/African-American, 0.0013%; no homozygotes.

Submission:

PreventionGenetics, part of Exact Sciences
Classification: Uncertain significance for FHOD3-related condition. Last evaluated: 2026-08-05. Review status: criteria provided, single submitter. Criteria: ACMG Guidelines, 2015. Collection method: clinical testing. Allele origin: germline.
Comment: The FHOD3 c.834C>A variant is predicted to result in the amino acid substitution p.Asp278Glu. To our knowledge, this variant has not been reported in the literature or in a large population database (gnomAD), indicating this variant is rare. At this time, the clinical significance of this variant is uncertain due to the absence of conclusive functional and genetic evidence.

NM_001281740.3(FHOD3):c.834C>A (p.Asp278Glu)

Gene: FHOD3 (formin homology 2 domain containing 3; plus strand). Cytogenetic location: 18q12.2.
Variant type: single nucleotide variant.
Coding change: c.834C>A on transcript NM_001281740.3 (MANE Select); coding-DNA position 834, C replaced by A.
Protein change: p.Asp278Glu; replaces aspartic acid 278 with glutamic acid.
Molecular consequence: missense variant.
Genome position (GRCh38, 1-based): chr18:36,611,972, C>A. VCF-style: chr18-36611972-C-A. GRCh37 (hg19) VCF-style: chr18-34191935-C-A.
Other names: c.834C>A, p.Asp278Glu (NM_001281739.3, NM_025135.5); short protein forms D278E.
Identifiers: ClinVar variation 4990772 (VCV004990772.1).
Genomic context (GRCh38, chr18:36,611,972, plus strand): 5'-TTCTGTGGTGTCTCTGTAGCTGGTTCTTCTCTTCTTCCAGACGTTATCAGGACTACCAGA[C>A]CAAGACACCTTCTACGACGTCGTGGACTGCCTGGAGGAGCTGGGCATTGCTGCTGTGTCC-3'
Protein context (NP_001268669.1, residues 268-288): LVNKTLSGLP[Asp278Glu]QDTFYDVVDC